The following is an entry in ClinVar:

NM_006734.4(HIVEP2):c.4146A>C (p.Ala1382=)

Gene: HIVEP2 (HIVEP zinc finger 2; minus strand). Cytogenetic location: 6q24.2.
Variant type: single nucleotide variant.
Coding change: c.4146A>C on transcript NM_006734.4 (MANE Select); coding-DNA position 4146, A replaced by C.
Protein change: p.Ala1382=; no amino-acid change (alanine 1382 retained).
Molecular consequence: synonymous variant.
Genome position (GRCh38, 1-based): chr6:142,770,593, T>G on the plus strand (A>C on the coding strand, the complement: HIVEP2 is on the minus strand). VCF-style: chr6-142770593-T-G. GRCh37 (hg19) VCF-style: chr6-143091730-T-G.
Identifiers: ClinVar variation 2656954 (VCV002656954.24), dbSNP rs2482825235, ClinGen allele CA452714182.

ClinVar aggregate classification (germline): Likely benign (1 of 4 stars; one submission).

Submission:

CeGaT Center for Human Genetics Tuebingen
Classification: Likely benign. Last evaluated: 2023-09-01. Review status: criteria provided, single submitter. Criteria: CeGaT Center For Human Genetics Tuebingen Variant Classification Criteria Version 2. Collection method: clinical testing. Allele origin: germline. Affected: yes. Observed: 1 variant allele.
Comment: HIVEP2: PM2:Supporting, BP4, BP7